The following is an entry in ClinVar:

NM_002294.3(LAMP2):c.1A>T (p.Met1Leu)

Gene: LAMP2 (lysosome associated membrane protein 2; minus strand). Cytogenetic location: Xq24.
Variant type: single nucleotide variant.
Coding change: c.1A>T on transcript NM_002294.3 (MANE Select); coding-DNA position 1, A replaced by T.
Protein change: p.Met1Leu; changes the start codon (methionine 1).
Molecular consequence: missense variant, initiator codon variant.
Genome position (GRCh38, 1-based): chrX:120,469,169, T>A on the plus strand (A>T on the coding strand, the complement: LAMP2 is on the minus strand). VCF-style: chrX-120469169-T-A. GRCh37 (hg19) VCF-style: chrX-119603024-T-A.
Other names: c.1A>T, p.Met1Leu (NM_001122606.1, NM_013995.2); short protein forms M1L.
Identifiers: ClinVar variation 444824 (VCV000444824.45), dbSNP rs1556124149, ClinGen allele CA414398164.

ClinVar aggregate classification (germline): Pathogenic/Likely pathogenic. Review status: criteria provided, multiple submitters, no conflicts (2 of 4 stars). 2 submissions from 2 submitters: Pathogenic (1); Likely pathogenic (1). Last evaluated 2025-06-18.

Conditions:
Danon disease. Also called: Glycogen Storage Disease Type IIb; ANTOPOL DISEASE; PSEUDOGLYCOGENOSIS II; GSD IIb; LYSOSOMAL GLYCOGEN STORAGE DISEASE WITHOUT ACID MALTASE DEFICIENCY. Identifiers: Orphanet 34587, MedGen C0878677, MONDO:0010281, OMIM 300257.

Submissions (2):

Labcorp Genetics (formerly Invitae), Labcorp
Classification: Pathogenic for Danon disease. Last evaluated: 2025-06-18. Review status: criteria provided, single submitter. Criteria: Invitae Variant Classification Sherloc (09022015). Collection method: clinical testing. Allele origin: germline.
Comment: This sequence change affects the initiator codon of the LAMP2 mRNA. This change may impact translation initiation or efficiency. The next in-frame methionine is located at codon 48. This variant is not present in population databases (gnomAD no frequency). Disruption of the initiator codon has been observed in individual(s) with clinical features of Danon disease (PMID: 37288668, 38540378). In at least one individual the variant was observed to be de novo. ClinVar contains an entry for this variant (Variation ID: 444824). Algorithms developed to predict the effect of variants on gene product structure and function are not available or were not evaluated for this variant. Experimental studies have shown that disruption of the initiator codon affects LAMP2 function (PMID: 37288668). For these reasons, this variant has been classified as Pathogenic.

CeGaT Center for Human Genetics Tuebingen
Classification: Likely pathogenic. Last evaluated: 2017-09-01. Review status: criteria provided, single submitter. Criteria: CeGaT Center For Human Genetics Tuebingen Variant Classification Criteria Version 2. Collection method: clinical testing. Allele origin: germline. Affected: yes. Observed: 1 variant allele.

Literature cited by the submitters: PubMed 37288668 (cited by Labcorp Genetics (formerly Invitae), Labcorp); PubMed 38540378 (cited by Labcorp Genetics (formerly Invitae), Labcorp).